The following is an entry in ClinVar:

ClinVar aggregate classification (germline): Uncertain significance (1 of 4 stars; one submission).

Conditions:
KBG syndrome (KBGS). Also called: ANKRD11-Related KBG Syndrome. Identifiers: Orphanet 2332, MedGen C0220687, MONDO:0007846, OMIM 148050.

Allele frequency attached by ClinVar (database versions not stated): gnomAD 0.00001; TOPMed 0.00002.
gnomAD v4.1: 4 of 1,613,740 alleles (0.00025%); highest among the groups gnomAD compares: South Asian, 0.0033%; no homozygotes.

Submission:

New York Genome Center
Classification: Uncertain significance for KBG syndrome. Last evaluated: 2020-06-11. Review status: criteria provided, single submitter. Criteria: NYGC Assertion Criteria 2020. Collection method: clinical testing. Allele origin: germline. Observed: 1 heterozygote. Study: CSER-NYCKidSeq.
Comment: The heterozygous p.Glu1491Lys variant identified in ANKRD11 has not been reported in the literature in individuals with ANKRD11-related disorder. The variant is absent from gnomAD database indicating it’s an extremely rare allele in the general population. The variant affects a moderately conserved residue and is predicted neutral by multiple In Silico prediction tools. Based on the available evidence, the p.Glu1491Lys variant in the ANKRD11 gene is assessed as a variant of uncertain significance.

NM_013275.6(ANKRD11):c.4471G>A (p.Glu1491Lys)

Gene: ANKRD11 (ankyrin repeat domain 11; minus strand). Cytogenetic location: 16q24.3.
Variant type: single nucleotide variant.
Coding change: c.4471G>A on transcript NM_013275.6 (MANE Select); coding-DNA position 4471, G replaced by A.
Protein change: p.Glu1491Lys; replaces glutamic acid 1491 with lysine.
Molecular consequence: missense variant.
Genome position (GRCh38, 1-based): chr16:89,282,071, C>T on the plus strand (G>A on the coding strand, the complement: ANKRD11 is on the minus strand). VCF-style: chr16-89282071-C-T. GRCh37 (hg19) VCF-style: chr16-89348479-C-T.
Other names: c.4471G>A, p.Glu1491Lys (NM_001256182.2, NM_001256183.2); short protein forms E1491K.
Identifiers: ClinVar variation 1325513 (VCV001325513.1), dbSNP rs1296165234, ClinGen allele CA397157504.